The following is an entry in ClinVar:

ClinVar aggregate classification (germline): Uncertain significance (1 of 4 stars; one submission).

Conditions:
Brody myopathy. Also called: BRODY DISEASE. Identifiers: Orphanet 53347, MedGen C1832918, MONDO:0010977, OMIM 601003.

Allele frequency attached by ClinVar (database versions not stated): gnomAD exomes below 0.00001; TOPMed below 0.00001; ExAC 0.00001; gnomAD 0.00001.
gnomAD v4.1: 5 of 1,607,106 alleles (0.00031%); highest among the groups gnomAD compares: Non-Finnish European, 0.00042%; no homozygotes.

Submission:

Labcorp Genetics (formerly Invitae), Labcorp
Classification: Uncertain significance for Brody myopathy. Last evaluated: 2022-02-24. Review status: criteria provided, single submitter. Criteria: Invitae Variant Classification Sherloc (09022015). Collection method: clinical testing. Allele origin: germline.
Comment: This sequence change replaces glutamic acid, which is acidic and polar, with lysine, which is basic and polar, at codon 439 of the ATP2A1 protein (p.Glu439Lys). This variant is present in population databases (rs778710343, gnomAD 0.003%). This missense change has been observed in individual(s) with clinical features of Brody myopathy (PMID: 30996034). Algorithms developed to predict the effect of missense changes on protein structure and function are either unavailable or do not agree on the potential impact of this missense change (SIFT: "Deleterious"; PolyPhen-2: "Probably Damaging"; Align-GVGD: "Class C0"). In summary, the available evidence is currently insufficient to determine the role of this variant in disease. Therefore, it has been classified as a Variant of Uncertain Significance.

Literature cited by the submitters: PubMed 30996034.

NM_004320.6(ATP2A1):c.1315G>A (p.Glu439Lys)

Gene: ATP2A1 (ATPase sarcoplasmic/endoplasmic reticulum Ca2+ transporting 1; plus strand). Cytogenetic location: 16p11.2.
Variant type: single nucleotide variant.
Coding change: c.1315G>A on transcript NM_004320.6 (MANE Select); coding-DNA position 1315, G replaced by A.
Protein change: p.Glu439Lys; replaces glutamic acid 439 with lysine.
Molecular consequence: missense variant.
Genome position (GRCh38, 1-based): chr16:28,894,849, G>A. VCF-style: chr16-28894849-G-A. GRCh37 (hg19) VCF-style: chr16-28906170-G-A.
Other names: c.940G>A, p.Glu314Lys (NM_001286075.2); c.1315G>A, p.Glu439Lys (NM_173201.5); short protein forms E314K, E439K.
Identifiers: ClinVar variation 1900920 (VCV001900920.2), dbSNP rs778710343, ClinGen allele CA7986930.